The following is an entry in ClinVar:

ClinVar aggregate classification (germline): Uncertain significance (1 of 4 stars; one submission).

Conditions:
Hereditary nonpolyposis colorectal neoplasms. Identifiers: MedGen C0009405, MeSH D003123.

Allele frequency attached by ClinVar (database versions not stated): gnomAD exomes below 0.00001; ExAC 0.00001; gnomAD 0.00001.

Submission:

Labcorp Genetics (formerly Invitae), Labcorp
Classification: Uncertain significance for Hereditary nonpolyposis colorectal neoplasms. Last evaluated: 2025-05-05. Review status: criteria provided, single submitter. Criteria: Invitae Variant Classification Sherloc (09022015). Collection method: clinical testing. Allele origin: germline.
Comment: This sequence change replaces leucine, which is neutral and non-polar, with valine, which is neutral and non-polar, at codon 35 of the PMS2 protein (p.Leu35Val). This variant is present in population databases (rs757430875, gnomAD 0.004%). This variant has not been reported in the literature in individuals affected with PMS2-related conditions. ClinVar contains an entry for this variant (Variation ID: 2131865). Invitae Evidence Modeling incorporating data from in vitro experimental studies (internal data) indicates that this missense variant is not expected to disrupt PMS2 function with a negative predictive value of 95%. In summary, the available evidence is currently insufficient to determine the role of this variant in disease. Therefore, it has been classified as a Variant of Uncertain Significance.

NM_000535.7(PMS2):c.103C>G (p.Leu35Val)

Gene: PMS2 (PMS1 homolog 2, mismatch repair system component; minus strand). Cytogenetic location: 7p22.1.
Variant type: single nucleotide variant.
Coding change: c.103C>G on transcript NM_000535.7 (MANE Select); coding-DNA position 103, C replaced by G.
Protein change: p.Leu35Val; replaces leucine 35 with valine.
Molecular consequence: missense variant. On other transcripts: 5 prime UTR variant (8), non-coding transcript variant (1), intron variant (3).
Genome position (GRCh38, 1-based): chr7:6,005,952, G>C on the plus strand (C>G on the coding strand, the complement: PMS2 is on the minus strand). VCF-style: chr7-6005952-G-C. GRCh37 (hg19) VCF-style: chr7-6045583-G-C.
Other names: c.-303C>G (NM_001018040.1, NM_001322003.2, NM_001322005.2 and 11 more transcripts); c.103C>G, p.Leu35Val (NM_001322006.2, NM_001322014.2, NM_001406868.1 and 10 more transcripts); c.-113C>G (NM_001322007.2, NM_001406876.1, NM_001406883.1 and 4 more transcripts); c.-782C>G (NM_001322011.2, NM_001322012.2); c.-382C>G (NM_001322015.2, NM_001406875.1, NM_001406877.1 and 2 more transcripts); c.289C>G, p.Leu97Val (NM_001406866.1); c.-329C>G (NM_001406880.1); c.-250C>G (NM_001406888.1, NM_001406889.1, NM_001406892.1 and 5 more transcripts); and 4 more; short protein forms L97V, L35V.
Identifiers: ClinVar variation 2131865 (VCV002131865.4), dbSNP rs757430875, ClinGen allele CA041633.